The following is an entry in ClinVar:

NM_001399.5(EDA):c.1069C>T (p.Arg357Trp)

Gene: EDA (ectodysplasin A; plus strand). Cytogenetic location: Xq13.1.
Variant type: single nucleotide variant.
Coding change: c.1069C>T on transcript NM_001399.5 (MANE Select); coding-DNA position 1069, C replaced by T.
Protein change: p.Arg357Trp; replaces arginine 357 with tryptophan.
Molecular consequence: missense variant.
Genome position (GRCh38, 1-based): chrX:70,035,502, C>T. VCF-style: chrX-70035502-C-T. GRCh37 (hg19) VCF-style: chrX-69255352-C-T.
Other names: c.1063C>T, p.Arg355Trp (NM_001005609.2); c.1054C>T, p.Arg352Trp (NM_001005612.3); short protein forms R357W, R352W, R355W.
Identifiers: ClinVar variation 265112 (VCV000265112.39), dbSNP rs886039347, ClinGen allele CA10588798.
Genomic context (GRCh38, chrX:70,035,502, plus strand): 5'-GAGACGGGCAAGACCAACTACAACACTTGCTATACCGCAGGCGTCTGCCTCCTCAAGGCC[C>T]GGCAGAAGATCGCCGTCAAGATGGTGCACGCTGACATCTCCATCAACATGAGCAAGCACA-3'
Protein context (NP_001390.1, residues 347-367): YTAGVCLLKA[Arg357Trp]QKIAVKMVHA

ClinVar aggregate classification (germline): Pathogenic/Likely pathogenic. Review status: criteria provided, multiple submitters, no conflicts (2 of 4 stars). 6 submissions from 6 submitters: Pathogenic (3); Likely pathogenic (2). 1 of the submissions does not count toward it. Last evaluated 2026-03-01.

Conditions:
EDA-related disorder. Also called: EDA-related disorders; EDA-related condition.
Hypohidrotic X-linked ectodermal dysplasia (XHED). Also called: Anhidrotic ectodermal dysplasia X-linked; Christ Siemens Touraine syndrome; ECTODERMAL DYSPLASIA 1, HYPOHIDROTIC, X-LINKED; ECTODERMAL DYSPLASIA 1, HYPOHIDROTIC/HAIR/TOOTH TYPE, X-LINKED; Christ-Siemans-Touraine syndrome; ECTODERMAL DYSPLASIA 1. Identifiers: Orphanet 181, Orphanet 238468, MedGen C0162359, MONDO:0010585, OMIM 305100.

Allele frequency attached by ClinVar (database versions not stated): gnomAD exomes below 0.00001.
gnomAD v4.1: 2 of 1,209,925 alleles (0.00017%); highest among the groups gnomAD compares: African/African-American, 0.0017%; no homozygotes.

Submissions (6):

CeGaT Center for Human Genetics Tuebingen
Classification: Pathogenic. Last evaluated: 2026-03-01. Review status: criteria provided, single submitter. Criteria: CeGaT Center For Human Genetics Tuebingen Variant Classification Criteria Version 2. Collection method: clinical testing. Allele origin: germline. Affected: yes. Observed: 4 variant alleles.
Comment: EDA: PM1, PM2, PM5, PS4:Moderate, PP3, PP4

Labcorp Genetics (formerly Invitae), Labcorp
Classification: Pathogenic for Hypohidrotic X-linked ectodermal dysplasia. Last evaluated: 2026-01-24. Review status: criteria provided, single submitter. Criteria: Invitae Variant Classification Sherloc (09022015). Collection method: clinical testing. Allele origin: germline.
Comment: This sequence change replaces arginine, which is basic and polar, with tryptophan, which is neutral and slightly polar, at codon 357 of the EDA protein (p.Arg357Trp). This variant is not present in population databases (gnomAD no frequency). This missense change has been observed in individual(s) with clinical features of X-linked hypohidrotic ectodermal dysplasia (PMID: 28045201, 31796081; internal data). ClinVar contains an entry for this variant (Variation ID: 265112). Invitae Evidence Modeling of protein sequence and biophysical properties (such as structural, functional, and spatial information, amino acid conservation, physicochemical variation, residue mobility, and thermodynamic stability) indicates that this missense variant is not expected to disrupt EDA protein function with a negative predictive value of 80%. For these reasons, this variant has been classified as Pathogenic.

GeneDx
Classification: Pathogenic. Last evaluated: 2022-08-23. Review status: criteria provided, single submitter. Criteria: GeneDx Variant Classification Process June 2021. Collection method: clinical testing. Allele origin: germline. Affected: yes.
Comment: Not observed in large population cohorts (gnomAD); Missense variants in this gene are often considered pathogenic (HGMD); In silico analysis supports that this missense variant does not alter protein structure/function; This variant is associated with the following publications: (PMID: 23991204, 28045201)

AiLife Diagnostics
Classification: Likely pathogenic. Last evaluated: 2021-04-22. Review status: criteria provided, single submitter. Criteria: ACMG Guidelines, 2015. Collection method: clinical testing. Allele origin: germline. Affected: yes. Observed: 1 variant allele.

Centre of Medical Genetics, University Hospital Muenster
Classification: Likely pathogenic. Last evaluated: 2019-07-17. Review status: criteria provided, single submitter. Criteria: ACMG Guidelines, 2015. Collection method: clinical testing. Allele origin: unknown. Affected: yes. Observed: 1 variant allele, 1 homozygote.
Comment: ACMG categories: PM1,PM2,PP1,PP3

PreventionGenetics, part of Exact Sciences
Classification: Likely pathogenic for EDA-related condition. Last evaluated: 2024-05-30. Review status: no assertion criteria provided. Collection method: clinical testing. Allele origin: germline. Not counted in ClinVar's aggregate classification.
Comment: The EDA c.1069C>T variant is predicted to result in the amino acid substitution p.Arg357Trp. This variant has been reported in the hemizygous state in individuals with hypohidrotic ectodermal dysplasia (Arte et al. 2013. PubMed ID: 23991204; Monroy-Jaramillo et al. 2017. PubMed ID: 28045201; Martínez-Romero et al 2019. PubMed ID: 31796081). This variant has not been reported in a large population database, indicating this variant is rare and has been interpreted as pathogenic and likely pathogenic by other laboratories in the ClinVar database. Additionally, a different missense change impacting the same amino acid (c.1070G>C, p.Arg357Pro) has been reported in individuals with hypohidrotic ectodermal dysplasia (Monreal et al. 1998. PubMed ID: 9683615; Goodwin et al. 2014. PubMed ID: 25333067), indicating the p.Arg357 residue may be important for EDA function. Taken together, the c.1069C>T (p.Arg357Trp) variant is interpreted as likely pathogenic.

Literature cited by the submitters: PubMed 28045201 (cited by Labcorp Genetics (formerly Invitae), Labcorp); PubMed 31796081 (cited by Labcorp Genetics (formerly Invitae), Labcorp); PubMed 23991204 (cited by AiLife Diagnostics).